The following is an entry in ClinVar:

NM_212550.5(BLOC1S3):c.204_205delinsTT (p.Glu68_Pro69delinsAspSer)

Gene: BLOC1S3 (biogenesis of lysosomal organelles complex 1 subunit 3; plus strand). Cytogenetic location: 19q13.32.
Variant type: Indel.
Coding change: c.204_205delinsTT on transcript NM_212550.5 (MANE Select); coding-DNA positions 204 to 205, GC replaced by TT.
Protein change: p.Glu68_Pro69delinsAspSer.
Molecular consequence: missense variant.
Genome position (GRCh38, 1-based): chr19:45,179,500-45,179,501, GC replaced by TT. VCF-style: chr19-45179500-GC-TT. GRCh37 (hg19) VCF-style: chr19-45682758-GC-TT.
Identifiers: ClinVar variation 1518778 (VCV001518778.6), dbSNP rs2122880933, ClinGen allele CA2573156450.

ClinVar aggregate classification (germline): Uncertain significance (1 of 4 stars; one submission).

Submission:

Labcorp Genetics (formerly Invitae), Labcorp
Classification: Uncertain significance. Last evaluated: 2024-10-29. Review status: criteria provided, single submitter. Criteria: Invitae Variant Classification Sherloc (09022015). Collection method: clinical testing. Allele origin: germline.
Comment: This variant, c.204_205delinsTT, is a complex sequence change that results in the deletion of 2 and insertion of 2 amino acid(s) in the BLOC1S3 protein (p.Glu68_Pro69delinsAspSer). Information on the frequency of this variant in the gnomAD database is not available, as this variant may be reported differently in the database. This variant has not been reported in the literature in individuals affected with BLOC1S3-related conditions. ClinVar contains an entry for this variant (Variation ID: 1518778). Experimental studies and prediction algorithms are not available or were not evaluated, and the functional significance of this variant is currently unknown. In summary, the available evidence is currently insufficient to determine the role of this variant in disease. Therefore, it has been classified as a Variant of Uncertain Significance.